The following is an entry in ClinVar:

ClinVar aggregate classification (germline): Likely benign. Review status: criteria provided, multiple submitters, no conflicts (2 of 4 stars). 6 submissions from 6 submitters: Likely benign (5). 1 of the submissions does not count toward it. Last evaluated 2025-07-04.

Conditions:
CHD7-related disorder. Also called: CHD7-related condition.
Hypogonadotropic hypogonadism 5 with or without anosmia (KAL5). Also called: HYPOGONADOTROPIC HYPOGONADISM 5 WITH ANOSMIA; HYPOGONADOTROPHIC HYPOGONADISM 5 WITHOUT ANOSMIA; CHD7-Related GnRH Deficiency (Kallmann Syndrome 5). Identifiers: Orphanet 478, MedGen C3552553, MONDO:0012880, OMIM 612370. Disease mechanism: loss of function.
CHARGE syndrome (CHARGE). Also called: Hittner Hirsch Kreh syndrome; Coloboma, heart anomaly, choanal atresia, retardation, genital and ear anomalies; CHARGE association; Hall-Hittner syndrome; CHARGE ASSOCIATION--COLOBOMA, HEART ANOMALY, CHOANAL ATRESIA, RETARDATION, GENITAL AND EAR ANOMALIES. Identifiers: Orphanet 138, MedGen C0265354, MONDO:0008965.

Allele frequency attached by ClinVar (database versions not stated): ExAC 0.00002; gnomAD 0.00007 and 0.00008; ESP Exome Variant Server 0.00008; TOPMed 0.00009.
gnomAD v4.1: 182 of 1,613,004 alleles (0.011%); highest among the groups gnomAD compares: Middle Eastern, 0.016%; no homozygotes.

Submissions (6):

Labcorp Genetics (formerly Invitae), Labcorp
Classification: Likely benign for CHARGE syndrome. Last evaluated: 2025-07-04. Review status: criteria provided, single submitter. Criteria: Invitae Variant Classification Sherloc (09022015). Collection method: clinical testing. Allele origin: germline.

Fulgent Genetics
Classification: Likely benign for CHD7-related CHARGE syndrome; Hypogonadotropic hypogonadism 5 with or without anosmia. Last evaluated: 2022-03-11. Review status: criteria provided, single submitter. Criteria: ACMG Guidelines, 2015. Collection method: clinical testing. Allele origin: unknown.

CeGaT Center for Human Genetics Tuebingen
Classification: Likely benign. Last evaluated: 2021-11-01. Review status: criteria provided, single submitter. Criteria: CeGaT Center For Human Genetics Tuebingen Variant Classification Criteria Version 2. Collection method: clinical testing. Allele origin: germline. Affected: yes. Observed: 1 variant allele.

Blueprint Genetics
Classification: Likely benign. Last evaluated: 2021-08-24. Review status: criteria provided, single submitter. Criteria: ACMG Guidelines, 2015. Collection method: clinical testing. Allele origin: germline.

GeneDx
Classification: Likely benign. Last evaluated: 2021-01-20. Review status: criteria provided, single submitter. Criteria: GeneDx Variant Classification Process June 2021. Collection method: clinical testing. Allele origin: germline. Affected: yes.

PreventionGenetics, part of Exact Sciences
Classification: Likely benign for CHD7-related condition. Last evaluated: 2023-11-16. Review status: no assertion criteria provided. Collection method: clinical testing. Allele origin: germline. Not counted in ClinVar's aggregate classification.
Comment: This variant is classified as likely benign based on ACMG/AMP sequence variant interpretation guidelines (Richards et al. 2015 PMID: 25741868, with internal and published modifications).

NM_017780.4(CHD7):c.3765G>A (p.Pro1255=)

Gene: CHD7 (chromodomain helicase DNA binding protein 7; plus strand). Cytogenetic location: 8q12.2.
Variant type: single nucleotide variant.
Coding change: c.3765G>A on transcript NM_017780.4 (MANE Select); coding-DNA position 3765, G replaced by A.
Protein change: p.Pro1255=; no amino-acid change (proline 1255 retained).
Molecular consequence: synonymous variant. On other transcripts: intron variant (1).
Genome position (GRCh38, 1-based): chr8:60,830,564, G>A. VCF-style: chr8-60830564-G-A. GRCh37 (hg19) VCF-style: chr8-61743123-G-A.
Other names: c.3765G>A (LRG_176t1); c.1717-31665G>A (NM_001316690.1).
Identifiers: ClinVar variation 507258 (VCV000507258.49), dbSNP rs371633293, ClinGen allele CA4760008.